The following is an entry in ClinVar:

ClinVar aggregate classification (germline): Conflicting classifications of pathogenicity. Review status: criteria provided, conflicting classifications (1 of 4 stars). 4 submissions from 4 submitters: Uncertain significance (3); Likely benign (1). Last evaluated 2025-09-03.

Conditions:
Hereditary cancer-predisposing syndrome. Also called: Neoplastic Syndromes, Hereditary; Hereditary Cancer Syndrome; Tumor predisposition; Hereditary neoplastic syndrome. Identifiers: Orphanet 140162, MedGen C0027672, MeSH D009386, MONDO:0015356.

Submissions (4):

Quest Diagnostics Nichols Institute San Juan Capistrano
Classification: Uncertain significance. Last evaluated: 2025-09-03. Review status: criteria provided, single submitter. Criteria: Quest Diagnostics criteria. Collection method: clinical testing. Allele origin: unknown.
Comment: The BRCA1 c.1145T>C (p.Val382Ala) variant has been reported in the published literature to be located in a region of the BRCA2 gene that is tolerant to missense sequence changes (PMID: 31911673 (2020)). To the best of our knowledge, this variant has not been reported in individuals with BRCA1-related disorders. This variant has not been reported in large, multi-ethnic general populations (Genome Aggregation Database). Analysis of this variant using bioinformatics tools for the prediction of the effect of amino acid changes on protein structure and function yielded predictions that this variant is damaging. Based on the available information, we are unable to determine the clinical significance of this variant.

Ambry Genetics
Classification: Uncertain significance for Hereditary cancer-predisposing syndrome. Last evaluated: 2023-05-05. Review status: criteria provided, single submitter. Criteria: Ambry Variant Classification Scheme 2023. Collection method: clinical testing. Allele origin: germline.
Comment: The p.V382A variant (also known as c.1145T>C), located in coding exon 9 of the BRCA1 gene, results from a T to C substitution at nucleotide position 1145. The valine at codon 382 is replaced by alanine, an amino acid with similar properties. This amino acid position is highly conserved in available vertebrate species. In addition, this alteration is predicted to be deleterious by in silico analysis. Since supporting evidence is limited at this time, the clinical significance of this alteration remains unclear.

University of Washington Department of Laboratory Medicine, University of Washington
Classification: Likely benign for Hereditary cancer-predisposing syndrome. Last evaluated: 2023-03-23. Review status: criteria provided, single submitter. Criteria: Dines et al. (Genet Med. 2020). Collection method: curation. Allele origin: germline.
Comment: Missense variant in a coldspot region where missense variants are very unlikely to be pathogenic (PMID:31911673).

BRCA1 coldspot (exon 11 using historical exon numbering). Reclassification based on statistical prior probability

Women's Health and Genetics/Laboratory Corporation of America, LabCorp
Classification: Uncertain significance. Last evaluated: 2019-06-25. Review status: criteria provided, single submitter. Criteria: LabCorp Variant Classification Summary - May 2015. Collection method: clinical testing. Allele origin: germline.
Comment: Variant summary: BRCA1 c.1145T>C (p.Val382Ala) results in a non-conservative amino acid change located in the BRCA1, serine-rich domain (IPR025994) of the encoded protein sequence. Five of five in-silico tools predict a damaging effect of the variant on protein function. The variant was absent in 251130 control chromosomes (gnomAD). The available data on variant occurrences in the general population are insufficient to allow any conclusion about variant significance. c.1145T>C has been reported in the literature in a study of prostate cancer patients (Wei_2018). This report does not provide unequivocal conclusions about association of the variant with Hereditary Breast and Ovarian Cancer. To our knowledge, no experimental evidence demonstrating an impact on protein function has been reported. No clinical diagnostic laboratories have submitted clinical-significance assessments for this variant to ClinVar after 2014. Based on the evidence outlined above, the variant was classified as uncertain significance.

Literature cited by the submitters: PubMed 31911673 (cited by Quest Diagnostics Nichols Institute San Juan Capistrano).

NM_007294.4(BRCA1):c.1145T>C (p.Val382Ala)

Gene: BRCA1 (BRCA1 DNA repair associated; minus strand). Cytogenetic location: 17q21.31.
Variant type: single nucleotide variant.
Coding change: c.1145T>C on transcript NM_007294.4 (MANE Select); coding-DNA position 1145, T replaced by C.
Protein change: p.Val382Ala; replaces valine 382 with alanine.
Molecular consequence: missense variant. On other transcripts: intron variant (137).
Genome position (GRCh38, 1-based): chr17:43,094,386, A>G on the plus strand (T>C on the coding strand, the complement: BRCA1 is on the minus strand). VCF-style: chr17-43094386-A-G. GRCh37 (hg19) VCF-style: chr17-41246403-A-G.
Other names: c.932T>C, p.Val311Ala (NM_001407571.1, NM_001407853.1, NM_001407894.1 and 9 more transcripts); c.1145T>C, p.Val382Ala (NM_001407581.1, NM_001407582.1, NM_001407583.1 and 30 more transcripts); c.1064T>C, p.Val355Ala (NM_001407662.1, NM_001407659.1, NM_001407660.1 and 1 more transcripts); c.1067T>C, p.Val356Ala (NM_001407663.1, NM_001407653.1, NM_001407654.1 and 4 more transcripts); c.1142T>C, p.Val381Ala (NM_001407587.1, NM_001407590.1, NM_001407591.1 and 22 more transcripts); c.1022T>C, p.Val341Ala (NM_001407664.1, NM_001407665.1, NM_001407666.1 and 19 more transcripts); c.1019T>C, p.Val340Ala (NM_001407670.1, NM_001407671.1, NM_001407672.1 and 11 more transcripts); c.1004T>C, p.Val335Ala (NM_001407692.1, NM_001407694.1, NM_001407695.1 and 29 more transcripts); and 40 more; short protein forms V335A, V382A, V254A, V255A, V271A, V312A, V315A, V334A.
Identifiers: ClinVar variation 929007 (VCV000929007.8), dbSNP rs2053985286, ClinGen allele CA10599766.